The following is an entry in ClinVar:

NM_001283009.2(RTEL1):c.2375_2376del (p.Leu792fs)

Genes: RTEL1 (regulator of telomere elongation helicase 1; plus strand), RTEL1-TNFRSF6B (RTEL1-TNFRSF6B readthrough (NMD candidate); plus strand). Cytogenetic location: 20q13.33.
Variant type: Deletion.
Coding change: c.2375_2376del on transcript NM_001283009.2 (MANE Select); coding-DNA positions 2375 to 2376, 2 bases deleted (TG; older notation c.2375_2376delTG).
Protein change: p.Leu792fs; shifts the reading frame from leucine 792.
Molecular consequence: frameshift variant. On other transcripts: non-coding transcript variant (1).
Genome position (GRCh38, 1-based): chr20:63,690,403-63,690,404, TG deleted. VCF-style (leftmost placement, unchanged base first): chr20-63690402-CTG-C. GRCh37 (hg19) VCF-style: chr20-62321755-CTG-C.
Other names: c.1706_1707del, p.Leu569fs (NM_001283010.1); c.2375_2376del, p.Leu792fs (NM_016434.4); c.2447_2448del, p.Leu816fs (NM_032957.5); short protein forms L792fs, L569fs, L816fs.
Identifiers: ClinVar variation 5004876 (VCV005004876.1).

ClinVar aggregate classification (germline): Pathogenic (1 of 4 stars; one submission).

Conditions:
Dyskeratosis congenita, autosomal recessive 5 (DKCB5). Identifiers: MedGen C3554656, MONDO:0014076, OMIM 615190.

Submission:

Myriad Genetics, Inc.
Classification: Pathogenic for Dyskeratosis congenita, autosomal recessive 5. Last evaluated: 2026-08-30. Review status: criteria provided, single submitter. Criteria: Myriad Autosomal Dominant, Autosomal Recessive and X-Linked Classification Criteria (2023). Collection method: clinical testing. Allele origin: unknown.
Comment: NM_001283009.1(RTEL1):c.2375_2376delTG(L792Rfs*23) is a frameshift variant classified as pathogenic in the context of RTEL1-related disorders. L792Rfs*23 has not been observed in cases with relevant disease. Relevant functional assessments of this variant are not available in the literature. L792Rfs*23 has not been observed in referenced population frequency databases. In summary, NM_001283009.1(RTEL1):c.2375_2376delTG(L792Rfs*23) is a frameshift variant in a gene where loss of function is a known mechanism of disease and is predicted to disrupt protein function. Please note: this variant was assessed in the context of healthy population screening.